The following is an entry in ClinVar:

ClinVar aggregate classification (germline): Uncertain significance (1 of 4 stars; one submission).

Conditions:
Combined immunodeficiency due to LRBA deficiency. Also called: Common variable immunodeficiency 8, with autoimmunity. Identifiers: Orphanet 445018, MedGen C3553512, MONDO:0013863, OMIM 614700.

Submission:

Labcorp Genetics (formerly Invitae), Labcorp
Classification: Uncertain significance for Combined immunodeficiency due to LRBA deficiency. Last evaluated: 2021-07-12. Review status: criteria provided, single submitter. Criteria: Invitae Variant Classification Sherloc (09022015). Collection method: clinical testing. Allele origin: germline.
Comment: In summary, the available evidence is currently insufficient to determine the role of this variant in disease. Therefore, it has been classified as a Variant of Uncertain Significance. Algorithms developed to predict the effect of missense changes on protein structure and function are either unavailable or do not agree on the potential impact of this missense change (SIFT: "Deleterious"; PolyPhen-2: "Possibly Damaging"; Align-GVGD: "Class C0"). This sequence change replaces aspartic acid with tyrosine at codon 1098 of the LRBA protein (p.Asp1098Tyr). The aspartic acid residue is weakly conserved and there is a large physicochemical difference between aspartic acid and tyrosine. This variant is not present in population databases (ExAC no frequency). This variant has not been reported in the literature in individuals affected with LRBA-related conditions.

NM_001364905.1(LRBA):c.3292G>T (p.Asp1098Tyr)

Gene: LRBA (LPS responsive beige-like anchor protein; minus strand). Cytogenetic location: 4q31.3.
Variant type: single nucleotide variant.
Coding change: c.3292G>T on transcript NM_001364905.1 (MANE Select); coding-DNA position 3292, G replaced by T.
Protein change: p.Asp1098Tyr; replaces aspartic acid 1098 with tyrosine.
Molecular consequence: missense variant.
Genome position (GRCh38, 1-based): chr4:150,852,418, C>A on the plus strand (G>T on the coding strand, the complement: LRBA is on the minus strand). VCF-style: chr4-150852418-C-A. GRCh37 (hg19) VCF-style: chr4-151773570-C-A.
Other names: c.3292G>T, p.Asp1098Tyr (NM_001199282.3, NM_001367550.1, NM_006726.5); short protein forms D1098Y.
Identifiers: ClinVar variation 1490015 (VCV001490015.8), dbSNP rs769475862, ClinGen allele CA107814319.